The following is an entry in ClinVar:

ClinVar aggregate classification (germline): Conflicting classifications of pathogenicity. Review status: criteria provided, conflicting classifications (1 of 4 stars). 5 submissions from 5 submitters: Uncertain significance (3); Likely benign (2). Last evaluated 2026-05-24.

Conditions:
Familial thoracic aortic aneurysm and aortic dissection (TAAD). Also called: Thoracic aortic aneurysms and dissections. Identifiers: Orphanet 91387, MedGen C4707243, MONDO:0019625.
Heterotopia, periventricular, X-linked dominant (PVNH1). Also called: X-linked periventricular heterotopia; PERIVENTRICULAR NODULAR HETEROTOPIA 4; HETEROTOPIA, PERIVENTRICULAR, 1; PERIVENTRICULAR NODULAR HETEROTOPIA 1. Identifiers: Orphanet 2149, Orphanet 82004, MedGen C1848213, MONDO:0010233, OMIM 300049.
Frontometaphyseal dysplasia (FMD1). Identifiers: Orphanet 1826, MedGen C0265293, MONDO:0015942.
Melnick-Needles syndrome (MNS). Also called: Melnick-Needles Syndrome (FLNA-MNS); MELNICK-NEEDLES OSTEODYSPLASTY; OSTEODYSPLASTY OF MELNICK AND NEEDLES. Identifiers: Orphanet 2484, MedGen C0025237, MONDO:0010650, OMIM 309350.
Oto-palato-digital syndrome, type II (OPD2). Also called: FACIOPALATOOSSEOUS SYNDROME; Otopalatodigital Syndrome Type 2 (FLNA-OPD2); Otopalatodigital Syndrome, Type II; OPD II SYNDROME. Identifiers: Orphanet 669, Orphanet 90652, MedGen C1844696, MONDO:0010571, OMIM 304120.

Allele frequency attached by ClinVar (database versions not stated): ExAC 0.00001; gnomAD 0.00001; TOPMed 0.00001; gnomAD exomes 0.00002 and 0.00003.
gnomAD v4.1: 38 of 1,208,775 alleles (0.0031%); highest among the groups gnomAD compares: Non-Finnish European, 0.004%; no homozygotes.

Submissions (5):

Women's Health and Genetics/Laboratory Corporation of America, LabCorp
Classification: Uncertain significance. Last evaluated: 2026-05-24. Review status: criteria provided, single submitter. Criteria: LabCorp Variant Classification Summary - May 2015. Collection method: clinical testing. Allele origin: germline.

Labcorp Genetics (formerly Invitae), Labcorp
Classification: Likely benign for Oto-palato-digital syndrome, type II; Heterotopia, periventricular, X-linked dominant; Frontometaphyseal dysplasia; Melnick-Needles syndrome. Last evaluated: 2025-10-12. Review status: criteria provided, single submitter. Criteria: Invitae Variant Classification Sherloc (09022015). Collection method: clinical testing. Allele origin: germline.

CeGaT Center for Human Genetics Tuebingen
Classification: Likely benign. Last evaluated: 2025-10-01. Review status: criteria provided, single submitter. Criteria: CeGaT Center For Human Genetics Tuebingen Variant Classification Criteria Version 2. Collection method: clinical testing. Allele origin: germline. Affected: yes. Observed: 1 variant allele.
Comment: FLNA: BS2

Mayo Clinic Laboratories, Mayo Clinic
Classification: Uncertain significance. Last evaluated: 2025-09-26. Review status: criteria provided, single submitter. Criteria: ACMG Guidelines, 2015. Collection method: clinical testing. Allele origin: germline. Observed: 1 variant allele.
Comment: PP2, PP3_moderate, PM2_supporting

Ambry Genetics
Classification: Uncertain significance for Familial thoracic aortic aneurysm and aortic dissection. Last evaluated: 2017-09-22. Review status: criteria provided, single submitter. Criteria: Ambry Variant Classification Scheme 2023. Collection method: clinical testing. Allele origin: germline.
Comment: The p.G1215S variant (also known as c.3643G>A), located in coding exon 21 of the FLNA gene, results from a G to A substitution at nucleotide position 3643. The glycine at codon 1215 is replaced by serine, an amino acid with similar properties. This amino acid position is highly conserved in available vertebrate species. In addition, this alteration is predicted to be deleterious by in silico analysis. Since supporting evidence is limited at this time, the clinical significance of this alteration remains unclear.

Literature cited by the submitters: PubMed 24200678 (cited by Mayo Clinic Laboratories, Mayo Clinic).

NM_001110556.2(FLNA):c.3643G>A (p.Gly1215Ser)

Gene: FLNA (filamin A; minus strand). Cytogenetic location: Xq28.
Variant type: single nucleotide variant.
Coding change: c.3643G>A on transcript NM_001110556.2 (MANE Select); coding-DNA position 3643, G replaced by A.
Protein change: p.Gly1215Ser; replaces glycine 1215 with serine.
Molecular consequence: missense variant.
Genome position (GRCh38, 1-based): chrX:154,360,152, C>T on the plus strand (G>A on the coding strand, the complement: FLNA is on the minus strand). VCF-style: chrX-154360152-C-T. GRCh37 (hg19) VCF-style: chrX-153588520-C-T.
Other names: p.Gly1215Ser; c.3643G>A, p.Gly1215Ser (NM_001456.4); short protein forms G1215S.
Identifiers: ClinVar variation 1045804 (VCV001045804.16), dbSNP rs782482207, ClinGen allele CA10560679.